The following is an entry in ClinVar:

ClinVar aggregate classification (germline): Uncertain significance (1 of 4 stars; one submission).

Submission:

Labcorp Genetics (formerly Invitae), Labcorp
Classification: Uncertain significance. Last evaluated: 2025-03-04. Review status: criteria provided, single submitter. Criteria: Invitae Variant Classification Sherloc (09022015). Collection method: clinical testing. Allele origin: germline.
Comment: This sequence change replaces proline, which is neutral and non-polar, with threonine, which is neutral and polar, at codon 422 of the TRIM28 protein (p.Pro422Thr). This variant is not present in population databases (gnomAD no frequency). This variant has not been reported in the literature in individuals affected with TRIM28-related conditions. Experimental studies and prediction algorithms are not available or were not evaluated, and the functional significance of this variant is currently unknown. In summary, the available evidence is currently insufficient to determine the role of this variant in disease. Therefore, it has been classified as a Variant of Uncertain Significance.

NM_005762.3(TRIM28):c.1264C>A (p.Pro422Thr)

Gene: TRIM28 (tripartite motif containing 28; plus strand). Cytogenetic location: 19q13.43.
Variant type: single nucleotide variant.
Coding change: c.1264C>A on transcript NM_005762.3 (MANE Select); coding-DNA position 1264, C replaced by A.
Protein change: p.Pro422Thr; replaces proline 422 with threonine.
Molecular consequence: missense variant.
Genome position (GRCh38, 1-based): chr19:58,548,533, C>A. VCF-style: chr19-58548533-C-A. GRCh37 (hg19) VCF-style: chr19-59059900-C-A.
Other names: short protein forms P422T.
Identifiers: ClinVar variation 4714310 (VCV004714310.1).
Genomic context (GRCh38, chr19:58,548,533, plus strand): 5'-CTTCTTTTTGCAGGCAAGATTGTGGCAGAGCGTCCTGGCACTAACTCAACAGGCCCTGCA[C>A]CCATGGCCCCTCCAAGAGCCCCAGGGCCCCTGAGCAAGCAGGGCTCTGGCAGCAGCCAGG-3'
Protein context (NP_005753.1, residues 412-432): RPGTNSTGPA[Pro422Thr]MAPPRAPGPL